The following is an entry in ClinVar:

ClinVar aggregate classification (germline): Uncertain significance (1 of 4 stars; one submission).

Conditions:
Cardiomyopathy (CMYO). Also called: Cardiomyopathies. Identifiers: Orphanet 167848, MedGen C0878544, MONDO:0004994, HP:0001638. Inheritance: Various modes of inheritance.

Submission:

Color Diagnostics, LLC DBA Color Health
Classification: Uncertain significance for Cardiomyopathy. Last evaluated: 2023-12-05. Review status: criteria provided, single submitter. Criteria: ACMG Guidelines, 2015. Collection method: clinical testing. Allele origin: germline.
Comment: This missense variant replaces leucine with valine at codon 3214 of the RYR2 protein. Computational prediction tools and conservation analyses are inconclusive regarding the impact of this variant on the protein function. Computational splicing tools suggest that this variant may not impact RNA splicing. To our knowledge, functional assays have not been performed for this variant nor has this variant been reported in individuals affected with cardiovascular disorders in the literature. This variant has not been identified in the general population by the Genome Aggregation Database (gnomAD). Available evidence is insufficient to determine the role of this variant in disease conclusively. Therefore, this variant is classified as a Variant of Uncertain Significance.

NM_001035.3(RYR2):c.9640C>G (p.Leu3214Val)

Gene: RYR2 (ryanodine receptor 2; plus strand). Cytogenetic location: 1q43.
Variant type: single nucleotide variant.
Coding change: c.9640C>G on transcript NM_001035.3 (MANE Select); coding-DNA position 9640, C replaced by G.
Protein change: p.Leu3214Val; replaces leucine 3214 with valine.
Molecular consequence: missense variant.
Genome position (GRCh38, 1-based): chr1:237,707,008, C>G. VCF-style: chr1-237707008-C-G. GRCh37 (hg19) VCF-style: chr1-237870308-C-G.
Other names: short protein forms L3214V.
Identifiers: ClinVar variation 926609 (VCV000926609.5), dbSNP rs1688436305, ClinGen allele CA345408468.